The following is an entry in ClinVar:

NM_153240.5(NPHP3):c.2262dup (p.Ile755fs)

Genes: NPHP3 (nephrocystin 3; minus strand), NPHP3-ACAD11 (NPHP3-ACAD11 readthrough (NMD candidate); minus strand). Cytogenetic location: 3q22.1.
Variant type: Duplication.
Coding change: c.2262dup on transcript NM_153240.5 (MANE Select); coding-DNA position 2262, one base duplicated (T; older notation c.2262dupT).
Protein change: p.Ile755fs; shifts the reading frame from isoleucine 755.
Molecular consequence: frameshift variant. On other transcripts: non-coding transcript variant (1).
Genome position (GRCh38, 1-based): chr3:132,694,875, A duplicated on the plus strand (T on the coding strand, the reverse complement: NPHP3 is on the minus strand). VCF-style (leftmost placement, unchanged base first): chr3-132694874-T-TA. GRCh37 (hg19) VCF-style: chr3-132413718-T-TA.
Other names: short protein forms I755fs.
Identifiers: ClinVar variation 4716904 (VCV004716904.1).

ClinVar aggregate classification (germline): Pathogenic (1 of 4 stars; one submission).

Conditions:
Nephronophthisis. Also called: Juvenile Nephronophthisis. Identifiers: Orphanet 655, MedGen C0687120, MONDO:0019005, HP:0000090.

Submission:

Labcorp Genetics (formerly Invitae), Labcorp
Classification: Pathogenic for Nephronophthisis. Last evaluated: 2025-09-03. Review status: criteria provided, single submitter. Criteria: Invitae Variant Classification Sherloc (09022015). Collection method: clinical testing. Allele origin: germline.
Comment: This sequence change creates a premature translational stop signal (p.Ile755Tyrfs*8) in the NPHP3 gene. It is expected to result in an absent or disrupted protein product. Loss-of-function variants in NPHP3 are known to be pathogenic (PMID: 18371931, 23559409). This variant is not present in population databases (gnomAD no frequency). This variant has not been reported in the literature in individuals affected with NPHP3-related conditions. Algorithms developed to predict the effect of sequence changes on RNA splicing suggest that this variant may disrupt the consensus splice site. For these reasons, this variant has been classified as Pathogenic.

Literature cited by the submitters: PubMed 18371931; PubMed 23559409.